The following is an entry in ClinVar:

NM_001849.4(COL6A2):c.1269G>C (p.Pro423=)

Gene: COL6A2 (collagen type VI alpha 2 chain; plus strand). Cytogenetic location: 21q22.3.
Variant type: single nucleotide variant.
Coding change: c.1269G>C on transcript NM_001849.4 (MANE Select); coding-DNA position 1269, G replaced by C.
Protein change: p.Pro423=; no amino-acid change (proline 423 retained).
Molecular consequence: synonymous variant.
Genome position (GRCh38, 1-based): chr21:46,119,119, G>C. VCF-style: chr21-46119119-G-C. GRCh37 (hg19) VCF-style: chr21-47539033-G-C.
Other names: c.1269G>C, p.Pro423= (NM_058174.3, NM_058175.3).
Identifiers: ClinVar variation 290928 (VCV000290928.17), dbSNP rs144136807, ClinGen allele CA10071790.

ClinVar aggregate classification (germline): Conflicting classifications of pathogenicity. Review status: criteria provided, conflicting classifications (1 of 4 stars). 5 submissions from 5 submitters: Uncertain significance (3); Likely benign (1). 1 of the submissions does not count toward it. Last evaluated 2025-08-05.

Conditions:
COL6A2-related disorder.
Collagen 6-related myopathy. Identifiers: MedGen CN117976, MONDO:0100225.
Bethlem myopathy 1A. Also called: Bethlem myopathy 1; MYOPATHY, BENIGN CONGENITAL, WITH CONTRACTURES; Bethlem Muscular Dystrophy. Identifiers: Orphanet 610, MedGen CN029274, MONDO:0024530, OMIM 158810.

Allele frequency attached by ClinVar (database versions not stated): gnomAD 0.00010; TOPMed 0.00012; ESP Exome Variant Server 0.00015.
gnomAD v4.1: 33 of 1,609,152 alleles (0.0021%); highest among the groups gnomAD compares: African/African-American, 0.037%; no homozygotes.

Submissions (5):

Labcorp Genetics (formerly Invitae), Labcorp
Classification: Uncertain significance for Bethlem myopathy 1A. Last evaluated: 2025-08-05. Review status: criteria provided, single submitter. Criteria: Invitae Variant Classification Sherloc (09022015). Collection method: clinical testing. Allele origin: germline.
Comment: This sequence change affects codon 423 of the COL6A2 mRNA. It is a 'silent' change, meaning that it does not change the encoded amino acid sequence of the COL6A2 protein. This variant also falls at the last nucleotide of exon 14, which is part of the consensus splice site for this exon. This variant is present in population databases (rs144136807, gnomAD 0.02%). This variant has not been reported in the literature in individuals affected with COL6A2-related conditions. ClinVar contains an entry for this variant (Variation ID: 290928). Variants that disrupt the consensus splice site are a relatively common cause of aberrant splicing (PMID: 17576681, 9536098). Algorithms developed to predict the effect of sequence changes on RNA splicing suggest that this variant is not likely to affect RNA splicing. In summary, the available evidence is currently insufficient to determine the role of this variant in disease. Therefore, it has been classified as a Variant of Uncertain Significance.

Revvity Omics, Revvity
Classification: Uncertain significance. Last evaluated: 2024-09-20. Review status: criteria provided, single submitter. Criteria: ACMG Guidelines, 2015. Collection method: clinical testing. Allele origin: germline.

Illumina Laboratory Services, Illumina
Classification: Likely benign for Collagen VI-related myopathy. Last evaluated: 2018-01-13. Review status: criteria provided, single submitter. Criteria: ICSL Variant Classification Criteria 13 December 2019. Collection method: clinical testing. Allele origin: germline.
Comment: This variant was observed in the ICSL laboratory as part of a predisposition screen in an ostensibly healthy population. It had not been previously curated by ICSL or reported in the Human Gene Mutation Database (HGMD: prior to June 1st, 2018), and was therefore a candidate for classification through an automated scoring system. Utilizing variant allele frequency, disease prevalence and penetrance estimates, and inheritance mode, an automated score was calculated to assess if this variant is too frequent to cause the disease. Based on the score and internal cut-off values, a variant classified as likely benign is not then subjected to further curation. The score for this variant resulted in a classification of likely benign for this disease.

Eurofins Ntd Llc (ga)
Classification: Uncertain significance. Last evaluated: 2016-08-24. Review status: criteria provided, single submitter. Criteria: EGL Classification Definitions 2015. Collection method: clinical testing. Allele origin: germline. Observed: 1 variant allele, 1 heterozygote.

PreventionGenetics, part of Exact Sciences
Classification: Likely benign for COL6A2-related condition. Last evaluated: 2024-02-20. Review status: no assertion criteria provided. Collection method: clinical testing. Allele origin: germline. Not counted in ClinVar's aggregate classification.
Comment: This variant is classified as likely benign based on ACMG/AMP sequence variant interpretation guidelines (Richards et al. 2015 PMID: 25741868, with internal and published modifications).

Literature cited by the submitters: PubMed 17576681 (cited by Labcorp Genetics (formerly Invitae), Labcorp); PubMed 9536098 (cited by Labcorp Genetics (formerly Invitae), Labcorp).